The following is an entry in ClinVar:

ClinVar aggregate classification (germline): Benign. Review status: criteria provided, multiple submitters, no conflicts (2 of 4 stars). 4 submissions from 4 submitters: Benign (3). 1 of the submissions does not count toward it. Last evaluated 2026-01-12.

Conditions:
STS-related disorder. Also called: STS-related condition.

Allele frequency attached by ClinVar (database versions not stated): gnomAD 0.02167 and 0.02022; ESP Exome Variant Server 0.02358; gnomAD exomes 0.00220 and 0.00607; ExAC 0.00778; 1000 Genomes Project 0.01722; 1000 Genomes Project 30x 0.01873; TOPMed 0.02424.
gnomAD v4.1: 4,733 of 1,203,991 alleles (0.39%); highest among the groups gnomAD compares: African/African-American, 6.8%; 104 homozygotes.

Submissions (4):

Labcorp Genetics (formerly Invitae), Labcorp
Classification: Benign. Last evaluated: 2026-01-12. Review status: criteria provided, single submitter. Criteria: Invitae Variant Classification Sherloc (09022015). Collection method: clinical testing. Allele origin: germline.

GeneDx
Classification: Benign. Last evaluated: 2020-04-26. Review status: criteria provided, single submitter. Criteria: GeneDx Variant Classification Process June 2021. Collection method: clinical testing. Allele origin: germline. Affected: yes.

Breakthrough Genomics
Classification: Benign. Review status: criteria provided, single submitter. Criteria: ACMG Guidelines, 2015. Collection method: not provided. Allele origin: germline. Inheritance: X-linked inheritance. Affected: yes.

PreventionGenetics, part of Exact Sciences
Classification: Benign for STS-related condition. Last evaluated: 2019-07-23. Review status: no assertion criteria provided. Collection method: clinical testing. Allele origin: germline. Not counted in ClinVar's aggregate classification.
Comment: This variant is classified as benign based on ACMG/AMP sequence variant interpretation guidelines (Richards et al. 2015 PMID: 25741868, with internal and published modifications).

NM_001320752.2(STS):c.904G>A (p.Val302Ile)

Gene: STS (steroid sulfatase; plus strand). Cytogenetic location: Xp22.31.
Variant type: single nucleotide variant.
Coding change: c.904G>A on transcript NM_001320752.2 (MANE Select); coding-DNA position 904, G replaced by A.
Protein change: p.Val302Ile; replaces valine 302 with isoleucine.
Molecular consequence: missense variant.
Genome position (GRCh38, 1-based): chrX:7,276,048, G>A. VCF-style: chrX-7276048-G-A. GRCh37 (hg19) VCF-style: chrX-7194089-G-A.
Other names: c.919G>A (NM_000351.5); c.904G>A, p.Val302Ile (NM_000351.7, NM_001320753.2, NM_001320754.2); c.940G>A, p.Val314Ile (NM_001320750.3, NM_001320751.2); short protein forms V302I, V314I.
Identifiers: ClinVar variation 1282545 (VCV001282545.12), dbSNP rs113416414, ClinGen allele CA10342057.